The following is an entry in ClinVar:

ClinVar aggregate classification (germline): Uncertain significance (1 of 4 stars; one submission).

Conditions:
Intellectual developmental disorder 61. Also called: MENTAL RETARDATION, AUTOSOMAL DOMINANT 61; INTELLECTUAL DEVELOPMENTAL DISORDER, AUTOSOMAL DOMINANT 61. Identifiers: MedGen C5231400, MONDO:0032485, OMIM 618009.

gnomAD v4.1: 7 of 1,613,544 alleles (0.00043%); highest among the groups gnomAD compares: East Asian, 0.0022%; no homozygotes.

Submission:

Juno Genomics, Hangzhou Juno Genomics, Inc
Classification: Uncertain significance for Intellectual developmental disorder 61. Review status: criteria provided, single submitter. Criteria: ACMG Guidelines, 2015. Collection method: clinical testing. Allele origin: germline.
Comment: Absent from controls (or at extremely low frequency if recessive) in Genome Aggregation Database.;Multiple lines of computational evidence support a deleterious effect on the gene or gene product.;Missense variant in a gene that has a low rate of benign missense variation.

NM_005121.3(MED13):c.620T>C (p.Ile207Thr)

Gene: MED13 (mediator complex subunit 13; minus strand). Cytogenetic location: 17q23.2.
Variant type: single nucleotide variant.
Coding change: c.620T>C on transcript NM_005121.3 (MANE Select); coding-DNA position 620, T replaced by C.
Protein change: p.Ile207Thr; replaces isoleucine 207 with threonine.
Molecular consequence: missense variant.
Genome position (GRCh38, 1-based): chr17:62,033,981, A>G on the plus strand (T>C on the coding strand, the complement: MED13 is on the minus strand). VCF-style: chr17-62033981-A-G. GRCh37 (hg19) VCF-style: chr17-60111342-A-G.
Other names: short protein forms I207T.
Identifiers: ClinVar variation 5018657 (VCV005018657.2).